The following is an entry in ClinVar:

ClinVar aggregate classification (germline): Benign/Likely benign. Review status: criteria provided, multiple submitters, no conflicts (2 of 4 stars). 7 submissions from 7 submitters: Benign (5); Likely benign (1). 1 of the submissions does not count toward it. Last evaluated 2024-11-26.

Conditions:
Dihydropyrimidine dehydrogenase deficiency (DPYDD). Also called: DPD DEFICIENCY; DPYD DEFICIENCY; Hereditary Thymine-Uraciluria. Identifiers: Orphanet 1675, MedGen C1959620, MONDO:0010130, OMIM 274270.

Allele frequency attached by ClinVar (database versions not stated): 1000 Genomes Project 30x 0.06293; 1000 Genomes Project 0.06370; TOPMed 0.08527; ESP Exome Variant Server 0.09482; gnomAD 0.09531 and 0.09765; gnomAD exomes 0.09562 and 0.10291; ExAC 0.10458.
gnomAD v4.1: 164,636 of 1,612,456 alleles (10%); highest among the groups gnomAD compares: Middle Eastern, 17%; 9,385 homozygotes.

Submissions (7):

Blueprint Genetics
Classification: Likely benign. Last evaluated: 2024-11-26. Review status: criteria provided, single submitter. Criteria: ACMG Guidelines, 2015. Collection method: clinical testing. Allele origin: germline.

Genome-Nilou Lab
Classification: Benign for Dihydropyrimidine dehydrogenase deficiency. Last evaluated: 2023-04-11. Review status: criteria provided, single submitter. Criteria: ACMG Guidelines, 2015. Collection method: clinical testing. Allele origin: germline. Affected: no.

Mayo Clinic Laboratories, Mayo Clinic
Classification: Benign. Last evaluated: 2022-07-15. Review status: criteria provided, single submitter. Criteria: ACMG Guidelines, 2015. Collection method: clinical testing. Allele origin: germline. Observed: 1 variant allele.

Illumina Laboratory Services, Illumina
Classification: Benign for Dihydropyrimidine dehydrogenase deficiency. Last evaluated: 2018-01-13. Review status: criteria provided, single submitter. Criteria: ICSL Variant Classification Criteria 13 December 2019. Collection method: clinical testing. Allele origin: germline.
Comment: This variant was observed in the ICSL laboratory as part of a predisposition screen in an ostensibly healthy population. It had not been previously curated by ICSL or reported in the Human Gene Mutation Database (HGMD: prior to June 1st, 2018), and was therefore a candidate for classification through an automated scoring system. Utilizing variant allele frequency, disease prevalence and penetrance estimates, and inheritance mode, an automated score was calculated to assess if this variant is too frequent to cause the disease. Based on the score and internal cut-off values, a variant classified as benign is not then subjected to further curation. The score for this variant resulted in a classification of benign for this disease.

Breakthrough Genomics
Classification: Benign. Review status: criteria provided, single submitter. Criteria: ACMG Guidelines, 2015. Collection method: not provided. Allele origin: germline. Inheritance: Autosomal recessive inheritance. Affected: yes.

PreventionGenetics, part of Exact Sciences
Classification: Benign. Review status: criteria provided, single submitter. Criteria: ACMG Guidelines, 2015. Collection method: clinical testing. Allele origin: germline.

Diasio Lab,  Mayo Clinic
No classification provided. Review status: no classification provided. Collection method: not provided. Allele origin: unknown. Not counted in ClinVar's aggregate classification.

NM_000110.4(DPYD):c.1129-15T>C

Gene: DPYD (dihydropyrimidine dehydrogenase; minus strand). Cytogenetic location: 1p21.3.
Variant type: single nucleotide variant.
Coding change: c.1129-15T>C on transcript NM_000110.4 (MANE Select); 15 bases into the intron before coding-DNA position 1129, T replaced by C.
Molecular consequence: intron variant.
Genome position (GRCh38, 1-based): chr1:97,573,985, A>G on the plus strand (T>C on the coding strand, the complement: DPYD is on the minus strand). VCF-style: chr1-97573985-A-G. GRCh37 (hg19) VCF-style: chr1-98039541-A-G.
Other names: p.?.
Identifiers: ClinVar variation 100103 (VCV000100103.10), dbSNP rs56293913, ClinGen allele CA228145.